The following is an entry in ClinVar:

ClinVar aggregate classification (germline): Uncertain significance. Review status: criteria provided, multiple submitters, no conflicts (2 of 4 stars). 5 submissions from 5 submitters: Uncertain significance (5). Last evaluated 2026-02-16.

Conditions:
RP1L1-related disorder. Also called: RP1L1-related condition.
Retinal dystrophy. Also called: Inherited retinal dystrophy. Identifiers: Orphanet 71862, MedGen C0854723, MeSH D058499, MONDO:0019118, HP:0000556.
Inborn genetic diseases. Identifiers: MedGen C0950123, MeSH D030342.

Allele frequency attached by ClinVar (database versions not stated): gnomAD exomes 0.00001; TOPMed 0.00002.
gnomAD v4.1: 17 of 1,613,154 alleles (0.0011%); highest among the groups gnomAD compares: East Asian, 0.038%; no homozygotes.

Submissions (5):

PreventionGenetics, part of Exact Sciences
Classification: Uncertain significance for RP1L1-related condition. Last evaluated: 2026-02-16. Review status: criteria provided, single submitter. Criteria: ACMG Guidelines, 2015. Collection method: clinical testing. Allele origin: germline.
Comment: The RP1L1 c.331A>G variant is predicted to result in the amino acid substitution p.Lys111Glu. To our knowledge, this variant has not been reported in the literature. This variant is present in 0.011% of alleles in individuals of East Asian descent in gnomAD. At this time, the clinical significance of this variant is uncertain due to the absence of conclusive functional and genetic evidence.

Labcorp Genetics (formerly Invitae), Labcorp
Classification: Uncertain significance. Last evaluated: 2024-11-25. Review status: criteria provided, single submitter. Criteria: Invitae Variant Classification Sherloc (09022015). Collection method: clinical testing. Allele origin: germline.
Comment: This sequence change replaces lysine, which is basic and polar, with glutamic acid, which is acidic and polar, at codon 111 of the RP1L1 protein (p.Lys111Glu). This variant is present in population databases (no rsID available, gnomAD 0.01%). This variant has not been reported in the literature in individuals affected with RP1L1-related conditions. ClinVar contains an entry for this variant (Variation ID: 2297218). Invitae Evidence Modeling of protein sequence and biophysical properties (such as structural, functional, and spatial information, amino acid conservation, physicochemical variation, residue mobility, and thermodynamic stability) indicates that this missense variant is not expected to disrupt RP1L1 protein function with a negative predictive value of 80%. In summary, the available evidence is currently insufficient to determine the role of this variant in disease. Therefore, it has been classified as a Variant of Uncertain Significance.

Dept Of Ophthalmology, Nagoya University
Classification: Uncertain significance for Retinal dystrophy. Last evaluated: 2023-10-01. Review status: criteria provided, single submitter. Criteria: Submitter's publication. Collection method: research. Allele origin: germline. Affected: yes.

Blueprint Genetics
Classification: Uncertain significance. Last evaluated: 2022-06-29. Review status: criteria provided, single submitter. Criteria: ACMG Guidelines, 2015. Collection method: clinical testing. Allele origin: germline.

Ambry Genetics
Classification: Uncertain significance for Inborn genetic diseases. Last evaluated: 2022-06-24. Review status: criteria provided, single submitter. Criteria: Ambry Variant Classification Scheme 2023. Collection method: clinical testing. Allele origin: germline.

NM_178857.6(RP1L1):c.331A>G (p.Lys111Glu)

Gene: RP1L1 (RP1 like 1). Cytogenetic location: 8p23.1.
Variant type: single nucleotide variant.
Coding change: c.331A>G on transcript NM_178857.6 (MANE Select); coding-DNA position 331, A replaced by G.
Protein change: p.Lys111Glu; replaces lysine 111 with glutamic acid.
Molecular consequence: missense variant.
Genome position (GRCh38, 1-based): chr8:10,622,871, T>C on the plus strand (A>G on the coding strand, the complement: RP1L1 is on the minus strand). VCF-style: chr8-10622871-T-C. GRCh37 (hg19) VCF-style: chr8-10480381-T-C.
Other names: short protein forms K111E.
Identifiers: ClinVar variation 2297218 (VCV002297218.8), dbSNP rs1381296598, ClinGen allele CA370300493.
Genomic context (GRCh38, chr8:10,622,871, plus strand): 5'-CCCGCAACTGCTGAGCAGTGGGGTTTCTCTCCTGTGGCCGGCCTGGTCCACTGGGGGTCT[T>C]GGGGGGCTTCTTATCAGAGCAGAGGTAGCAGCCTCCATCTTCCAGCTGCTCCAGGGCGCT-3'
Protein context (NP_849188.4, residues 101-121): CYLCSDKKPP[Lys111Glu]TPSGPGRPQE